The following is an entry in ClinVar:

NM_021813.4(BACH2):c.406A>C (p.Ser136Arg)

Gene: BACH2 (BACH transcriptional regulator 2; minus strand). Cytogenetic location: 6q15.
Variant type: single nucleotide variant.
Coding change: c.406A>C on transcript NM_021813.4 (MANE Select); coding-DNA position 406, A replaced by C.
Protein change: p.Ser136Arg; replaces serine 136 with arginine.
Molecular consequence: missense variant.
Genome position (GRCh38, 1-based): chr6:89,951,700, T>G on the plus strand (A>C on the coding strand, the complement: BACH2 is on the minus strand). VCF-style: chr6-89951700-T-G. GRCh37 (hg19) VCF-style: chr6-90661419-T-G.
Other names: c.406A>C, p.Ser136Arg (NM_001170794.2); short protein forms S136R.
Identifiers: ClinVar variation 1505394 (VCV001505394.8), dbSNP rs2128357100, ClinGen allele CA365073093.
Genomic context (GRCh38, chr6:89,951,700, plus strand): 5'-AGTCCTCGTGTGGGCGCTGGCACGCAGCATCCTTCCGGCACACAAACAGGCCATCCTCAC[T>G]GTTCAGGAGCTGGGTCTGCAGGAAGCTGAAGCAGGAGTCCTCCAGGTTGTGCATGCGCAG-3'
Protein context (NP_068585.1, residues 126-146): FSFLQTQLLN[Ser136Arg]EDGLFVCRKD

ClinVar aggregate classification (germline): Uncertain significance (1 of 4 stars; one submission).

Submission:

Labcorp Genetics (formerly Invitae), Labcorp
Classification: Uncertain significance. Last evaluated: 2024-03-04. Review status: criteria provided, single submitter. Criteria: Invitae Variant Classification Sherloc (09022015). Collection method: clinical testing. Allele origin: germline.
Comment: This sequence change replaces serine, which is neutral and polar, with arginine, which is basic and polar, at codon 136 of the BACH2 protein (p.Ser136Arg). This variant is not present in population databases (gnomAD no frequency). This variant has not been reported in the literature in individuals affected with BACH2-related conditions. ClinVar contains an entry for this variant (Variation ID: 1505394). Advanced modeling of protein sequence and biophysical properties (such as structural, functional, and spatial information, amino acid conservation, physicochemical variation, residue mobility, and thermodynamic stability) performed at Invitae indicates that this missense variant is not expected to disrupt BACH2 protein function with a negative predictive value of 80%. In summary, the available evidence is currently insufficient to determine the role of this variant in disease. Therefore, it has been classified as a Variant of Uncertain Significance.